The following is an entry in ClinVar:

ClinVar aggregate classification (germline): Conflicting classifications of pathogenicity. Review status: criteria provided, conflicting classifications (1 of 4 stars). 6 submissions from 6 submitters: Uncertain significance (3); Likely benign (2). 1 of the submissions does not count toward it. Last evaluated 2026-02-01.

Conditions:
Autoinflammation, immune dysregulation, and eosinophilia. Also called: ATOPIC DERMATITIS, ENTERITIS, COLITIS, AND EOSINOPHILIA. Identifiers: MedGen C5436572, MONDO:0033558, OMIM 618999.

Allele frequency attached by ClinVar (database versions not stated): 1000 Genomes Project 30x 0.00031; 1000 Genomes Project 0.00040; TOPMed 0.00058; gnomAD exomes 0.00063 and 0.00066; ExAC 0.00064; gnomAD 0.00064 and 0.00068; ESP Exome Variant Server 0.00097.
gnomAD v4.1: 1,008 of 1,614,062 alleles (0.062%); highest among the groups gnomAD compares: Non-Finnish European, 0.074%; 3 homozygotes.

Submissions (6):

CeGaT Center for Human Genetics Tuebingen
Classification: Likely benign. Last evaluated: 2026-02-01. Review status: criteria provided, single submitter. Criteria: CeGaT Center For Human Genetics Tuebingen Variant Classification Criteria Version 2. Collection method: clinical testing. Allele origin: germline. Affected: yes. Observed: 3 variant alleles.
Comment: JAK1: BP4

Labcorp Genetics (formerly Invitae), Labcorp
Classification: Likely benign. Last evaluated: 2026-01-28. Review status: criteria provided, single submitter. Criteria: Invitae Variant Classification Sherloc (09022015). Collection method: clinical testing. Allele origin: germline.

Blueprint Genetics
Classification: Uncertain significance. Last evaluated: 2024-11-13. Review status: criteria provided, single submitter. Criteria: ACMG Guidelines, 2015. Collection method: clinical testing. Allele origin: germline.

Center for Genomics, Ann and Robert H. Lurie Children's Hospital of Chicago
Classification: Uncertain significance for Autoinflammation, immune dysregulation, and eosinophilia. Last evaluated: 2022-11-09. Review status: criteria provided, single submitter. Criteria: ACMG Guidelines, 2015. Collection method: clinical testing. Allele origin: germline.
Comment: This variant has not been reported in the literature but is present in the Genome Aggregation Database (Highest reported MAF 0.1% [80/68036] including 1 homozygote). This variant is present in ClinVar (Variation ID: 134541). This variant amino acid Cysteine (Cys) is present in several species multiple mammals and is not well conserved among evolutionarily distant species; this suggests that this variant may not impact the protein. Additional computational prediction tools do not suggest an impact. In summary, data on this variant is insufficient for disease classification. Therefore, the clinical significance of this variant is uncertain.

Fulgent Genetics
Classification: Uncertain significance for Autoinflammation, immune dysregulation, and eosinophilia. Last evaluated: 2022-03-25. Review status: criteria provided, single submitter. Criteria: ACMG Guidelines, 2015. Collection method: clinical testing. Allele origin: unknown.

ITMI
No classification provided. Condition: AllHighlyPenetrant. Last evaluated: 2013-09-19. Review status: no classification provided. Collection method: reference population. Allele origin: germline. Not counted in ClinVar's aggregate classification.
Comment: Please see associated publication for description of ethnicities

Literature cited by the submitters: PubMed 24728327 (cited by ITMI).

NM_002227.4(JAK1):c.1516C>T (p.Arg506Cys)

Gene: JAK1 (Janus kinase 1; minus strand). Cytogenetic location: 1p31.3.
Variant type: single nucleotide variant.
Coding change: c.1516C>T on transcript NM_002227.4 (MANE Select); coding-DNA position 1516, C replaced by T.
Protein change: p.Arg506Cys; replaces arginine 506 with cysteine.
Molecular consequence: missense variant.
Genome position (GRCh38, 1-based): chr1:64,855,641, G>A on the plus strand (C>T on the coding strand, the complement: JAK1 is on the minus strand). VCF-style: chr1-64855641-G-A. GRCh37 (hg19) VCF-style: chr1-65321324-G-A.
Other names: c.1516C>T, p.Arg506Cys (NM_001320923.2, NM_001321852.2, NM_001321853.2 and 3 more transcripts); c.1513C>T, p.Arg505Cys (NM_001321857.2); short protein forms R506C, R505C.
Identifiers: ClinVar variation 134541 (VCV000134541.19), dbSNP rs61735631, ClinGen allele CA160138.